The following is an entry in ClinVar:

NM_005515.4(MNX1):c.428C>G (p.Pro143Arg)

Genes: MNX1 (motor neuron and pancreas homeobox 1; minus strand), LOC129999736 (ATAC-STARR-seq lymphoblastoid silent region 18858; plus strand). Cytogenetic location: 7q36.3.
Variant type: single nucleotide variant.
Coding change: c.428C>G on transcript NM_005515.4 (MANE Select); coding-DNA position 428, C replaced by G.
Protein change: p.Pro143Arg; replaces proline 143 with arginine.
Molecular consequence: missense variant.
Genome position (GRCh38, 1-based): chr7:157,009,923, G>C on the plus strand (C>G on the coding strand, the complement: MNX1 is on the minus strand). VCF-style: chr7-157009923-G-C. GRCh37 (hg19) VCF-style: chr7-156802617-G-C.
Other names: short protein forms P143R.
Identifiers: ClinVar variation 3594467 (VCV003594467.2).

ClinVar aggregate classification (germline): Uncertain significance. Review status: criteria provided, multiple submitters, no conflicts (2 of 4 stars). 2 submissions from 2 submitters: Uncertain significance (2). Last evaluated 2025-06-22.

Conditions:
Currarino triad. Identifiers: Orphanet 1552, MedGen C1531773, MONDO:0008305, OMIM 176450.

Submissions (2):

Labcorp Genetics (formerly Invitae), Labcorp
Classification: Uncertain significance. Last evaluated: 2025-06-22. Review status: criteria provided, single submitter. Criteria: Invitae Variant Classification Sherloc (09022015). Collection method: clinical testing. Allele origin: germline.
Comment: This sequence change replaces proline, which is neutral and non-polar, with arginine, which is basic and polar, at codon 143 of the MNX1 protein (p.Pro143Arg). The frequency data for this variant in the population databases is considered unreliable, as metrics indicate insufficient coverage at this position in the gnomAD database. This variant has not been reported in the literature in individuals affected with MNX1-related conditions. ClinVar contains an entry for this variant (Variation ID: 3594467). Invitae Evidence Modeling of protein sequence and biophysical properties (such as structural, functional, and spatial information, amino acid conservation, physicochemical variation, residue mobility, and thermodynamic stability) indicates that this missense variant is not expected to disrupt MNX1 protein function with a negative predictive value of 80%. In summary, the available evidence is currently insufficient to determine the role of this variant in disease. Therefore, it has been classified as a Variant of Uncertain Significance.

Fulgent Genetics
Classification: Uncertain significance for Currarino triad. Last evaluated: 2024-03-14. Review status: criteria provided, single submitter. Criteria: ACMG Guidelines, 2015. Collection method: clinical testing. Allele origin: germline.